The following is an entry in ClinVar:

NM_001276270.2(MBD4):c.953G>A (p.Ser318Asn)

Gene: MBD4 (methyl-CpG binding domain 4, DNA glycosylase; minus strand). Cytogenetic location: 3q21.3.
Variant type: single nucleotide variant.
Coding change: c.953G>A on transcript NM_001276270.2 (MANE Select); coding-DNA position 953, G replaced by A.
Protein change: p.Ser318Asn; replaces serine 318 with asparagine.
Molecular consequence: missense variant. On other transcripts: intron variant (1).
Genome position (GRCh38, 1-based): chr3:129,436,691, C>T on the plus strand (G>A on the coding strand, the complement: MBD4 is on the minus strand). VCF-style: chr3-129436691-C-T. GRCh37 (hg19) VCF-style: chr3-129155534-C-T.
Other names: c.953G>A, p.Ser318Asn (NM_001276271.2, NM_001276272.2, NM_003925.3); c.247+1117G>A (NM_001276273.2); short protein forms S318N.
Identifiers: ClinVar variation 2868830 (VCV002868830.5), dbSNP rs1047969768, ClinGen allele CA82636190.

ClinVar aggregate classification (germline): Uncertain significance. Review status: criteria provided, multiple submitters, no conflicts (2 of 4 stars). 2 submissions from 2 submitters: Uncertain significance (2). Last evaluated 2026-05-16.

Conditions:
Inborn genetic diseases. Identifiers: MedGen C0950123, MeSH D030342.

gnomAD v4.1: 3 of 1,614,026 alleles (0.00019%); highest among the groups gnomAD compares: Non-Finnish European, 0.00025%; no homozygotes.

Submissions (2):

Ambry Genetics
Classification: Uncertain significance for Inborn genetic diseases. Last evaluated: 2026-05-16. Review status: criteria provided, single submitter. Criteria: Ambry Variant Classification Scheme 2023. Collection method: clinical testing. Allele origin: germline.
Comment: The p.S318N variant (also known as c.953G>A), located in coding exon 3 of the MBD4 gene, results from a G to A substitution at nucleotide position 953. The serine at codon 318 is replaced by asparagine, an amino acid with highly similar properties. This amino acid position is conserved. In addition, this alteration is predicted to be tolerated by in silico analysis. Based on the available evidence, the clinical significance of this variant remains unclear.

Labcorp Genetics (formerly Invitae), Labcorp
Classification: Uncertain significance. Last evaluated: 2024-10-27. Review status: criteria provided, single submitter. Criteria: Invitae Variant Classification Sherloc (09022015). Collection method: clinical testing. Allele origin: germline.
Comment: This sequence change replaces serine, which is neutral and polar, with asparagine, which is neutral and polar, at codon 318 of the MBD4 protein (p.Ser318Asn). This variant is present in population databases (no rsID available, gnomAD 0.0009%). This variant has not been reported in the literature in individuals affected with MBD4-related conditions. An algorithm developed to predict the effect of missense changes on protein structure and function outputs the following: PolyPhen-2: "Benign". The asparagine amino acid residue is found in multiple mammalian species, which suggests that this missense change does not adversely affect protein function. In summary, the available evidence is currently insufficient to determine the role of this variant in disease. Therefore, it has been classified as a Variant of Uncertain Significance.